The following is an entry in ClinVar:

ClinVar aggregate classification (germline): Uncertain significance (1 of 4 stars; one submission).

Conditions:
Early-infantile DEE. Also called: Ohtahara syndrome; Early infantile epileptic encephalopathy; Early infantile epileptic encephalopathy with suppression bursts. Identifiers: Orphanet 1934, MedGen C0393706, MONDO:0800491.

Allele frequency attached by ClinVar (database versions not stated): gnomAD exomes below 0.00001; gnomAD 0.00001; ExAC 0.00001.
gnomAD v4.1: 6 of 1,614,026 alleles (0.00037%); highest among the groups gnomAD compares: South Asian, 0.0011%; no homozygotes.

Submission:

Labcorp Genetics (formerly Invitae), Labcorp
Classification: Uncertain significance for Early-infantile DEE. Last evaluated: 2024-10-24. Review status: criteria provided, single submitter. Criteria: Invitae Variant Classification Sherloc (09022015). Collection method: clinical testing. Allele origin: germline.
Comment: This sequence change replaces aspartic acid, which is acidic and polar, with asparagine, which is neutral and polar, at codon 1616 of the SPTAN1 protein (p.Asp1616Asn). This variant is present in population databases (rs774527953, gnomAD 0.003%). This missense change has been observed in individual(s) with epilepsy (PMID: 32811770). Invitae Evidence Modeling of protein sequence and biophysical properties (such as structural, functional, and spatial information, amino acid conservation, physicochemical variation, residue mobility, and thermodynamic stability) has been performed for this missense variant. However, the output from this modeling did not meet the statistical confidence thresholds required to predict the impact of this variant on SPTAN1 protein function. In summary, the available evidence is currently insufficient to determine the role of this variant in disease. Therefore, it has been classified as a Variant of Uncertain Significance.

Literature cited by the submitters: PubMed 32811770.

NM_001130438.3(SPTAN1):c.4846G>A (p.Asp1616Asn)

Gene: SPTAN1 (spectrin alpha, non-erythrocytic 1; plus strand). Cytogenetic location: 9q34.11.
Variant type: single nucleotide variant.
Coding change: c.4846G>A on transcript NM_001130438.3 (MANE Select); coding-DNA position 4846, G replaced by A.
Protein change: p.Asp1616Asn; replaces aspartic acid 1616 with asparagine.
Molecular consequence: missense variant.
Genome position (GRCh38, 1-based): chr9:128,611,786, G>A. VCF-style: chr9-128611786-G-A. GRCh37 (hg19) VCF-style: chr9-131374065-G-A.
Other names: c.4831G>A, p.Asp1611Asn (NM_003127.4); c.4771G>A, p.Asp1591Asn (NM_001195532.2); c.4846G>A, p.Asp1616Asn (NM_001363759.2, NM_001375310.1, NM_001375311.2 and 1 more transcripts); c.4786G>A, p.Asp1596Asn (NM_001363765.2, NM_001375314.2); c.4882G>A, p.Asp1628Asn (NM_001375312.2, NM_001375318.1); short protein forms D1591N, D1616N, D1596N, D1611N, D1628N.
Identifiers: ClinVar variation 2780160 (VCV002780160.3), dbSNP rs774527953, ClinGen allele CA5265312.